The following is an entry in ClinVar:

NM_002076.4(GNS):c.1309-8C>A

Gene: GNS (glucosamine (N-acetyl)-6-sulfatase; minus strand). Cytogenetic location: 12q14.3.
Variant type: single nucleotide variant.
Coding change: c.1309-8C>A on transcript NM_002076.4 (MANE Select); 8 bases into the intron before coding-DNA position 1309, C replaced by A.
Molecular consequence: intron variant.
Genome position (GRCh38, 1-based): chr12:64,721,713, G>T on the plus strand (C>A on the coding strand, the complement: GNS is on the minus strand). VCF-style: chr12-64721713-G-T. GRCh37 (hg19) VCF-style: chr12-65115493-G-T.
Identifiers: ClinVar variation 2158078 (VCV002158078.1), dbSNP rs980860821, ClinGen allele CA238273509.
Genomic context (GRCh38, chr12:64,721,713, plus strand): 5'-CAGGCATAGGTATTGTTATAAGCATCTTCACATACACAGTCTGGGAAGCATTGCTGTAGG[G>T]ATATTTCAAAAGTTAAATGAAGACAGTTCTTCCATAGTAACAAATACCTAGTTGCCTAGA-3'

ClinVar aggregate classification (germline): Uncertain significance (1 of 4 stars; one submission).

Conditions:
Mucopolysaccharidosis, MPS-III-D (MPS3D). Also called: N-ACETYLGLUCOSAMINE-6-SULFATASE DEFICIENCY; SANFILIPPO SYNDROME D; MPS III D; Mucopoly-saccharidosis type 3D; N-acetylglucosamine-6-sulfate sulfatase deficiency; MPS 3D. Identifiers: Orphanet 581, Orphanet 79272, MedGen C0086650, MONDO:0009658, OMIM 252940.

Allele frequency attached by ClinVar (database versions not stated): TOPMed below 0.00001.

Submission:

Labcorp Genetics (formerly Invitae), Labcorp
Classification: Uncertain significance for Mucopolysaccharidosis, MPS-III-D. Last evaluated: 2022-03-23. Review status: criteria provided, single submitter. Criteria: Invitae Variant Classification Sherloc (09022015). Collection method: clinical testing. Allele origin: germline.
Comment: This sequence change falls in intron 11 of the GNS gene. It does not directly change the encoded amino acid sequence of the GNS protein. This variant is not present in population databases (gnomAD no frequency). This variant has not been reported in the literature in individuals affected with GNS-related conditions. Algorithms developed to predict the effect of sequence changes on RNA splicing suggest that this variant may disrupt the consensus splice site. In summary, the available evidence is currently insufficient to determine the role of this variant in disease. Therefore, it has been classified as a Variant of Uncertain Significance.